The following is an entry in ClinVar:

NM_001365536.1(SCN9A):c.4630A>C (p.Thr1544Pro)

Genes: SCN1A-AS1 (SCN1A and SCN9A antisense RNA 1; plus strand), SCN9A (sodium voltage-gated channel alpha subunit 9; minus strand). Cytogenetic location: 2q24.3.
Variant type: single nucleotide variant.
Coding change: c.4630A>C on transcript NM_001365536.1 (MANE Select); coding-DNA position 4630, A replaced by C.
Protein change: p.Thr1544Pro; replaces threonine 1544 with proline.
Molecular consequence: missense variant.
Genome position (GRCh38, 1-based): chr2:166,204,099, T>G on the plus strand (A>C on the coding strand, the complement: SCN9A is on the minus strand). VCF-style: chr2-166204099-T-G. GRCh37 (hg19) VCF-style: chr2-167060609-T-G.
Other names: c.4597A>C, p.Thr1533Pro (NM_002977.4); short protein forms T1533P, T1544P.
Identifiers: ClinVar variation 999350 (VCV000999350.11), dbSNP rs1228583442, ClinGen allele CA349057625.

ClinVar aggregate classification (germline): Uncertain significance. Review status: criteria provided, multiple submitters, no conflicts (2 of 4 stars). 2 submissions from 2 submitters: Uncertain significance (2). Last evaluated 2021-04-06.

Conditions:
Generalized epilepsy with febrile seizures plus, type 7 (GEFSP7). Also called: GEFS+, TYPE 7. Identifiers: Orphanet 36387, MedGen C2751778, MONDO:0013470, OMIM 613863.
Neuropathy, hereditary sensory and autonomic, type 2A (HSAN2A). Also called: HSAN IIA; MORVAN DISEASE; NEUROPATHY, CONGENITAL SENSORY; NEUROPATHY, HEREDITARY SENSORY RADICULAR, AUTOSOMAL RECESSIVE; NEUROPATHY, HEREDITARY SENSORY, TYPE IIA; NEUROPATHY, PROGRESSIVE SENSORY, OF CHILDREN. Identifiers: Orphanet 970, MedGen C2752089, MONDO:0024309, OMIM 201300.

Allele frequency attached by ClinVar (database versions not stated): TOPMed 0.00001.
gnomAD v4.1: 8 of 1,612,738 alleles (0.0005%); highest among the groups gnomAD compares: Non-Finnish European, 0.00059%; no homozygotes.

Submissions (2):

Revvity Omics, Revvity
Classification: Uncertain significance. Last evaluated: 2021-04-06. Review status: criteria provided, single submitter. Criteria: ACMG Guidelines, 2015. Collection method: clinical testing. Allele origin: germline.

Labcorp Genetics (formerly Invitae), Labcorp
Classification: Uncertain significance for Neuropathy, hereditary sensory and autonomic, type 2A; Generalized epilepsy with febrile seizures plus, type 7. Last evaluated: 2020-03-30. Review status: criteria provided, single submitter. Criteria: Invitae Variant Classification Sherloc (09022015). Collection method: clinical testing. Allele origin: germline.
Comment: This sequence change replaces threonine with proline at codon 1533 of the SCN9A protein (p.Thr1533Pro). The threonine residue is moderately conserved and there is a small physicochemical difference between threonine and proline. This variant is not present in population databases (ExAC no frequency). This variant has not been reported in the literature in individuals with SCN9A-related conditions. Algorithms developed to predict the effect of missense changes on protein structure and function (SIFT, PolyPhen-2, Align-GVGD) all suggest that this variant is likely to be tolerated, but these predictions have not been confirmed by published functional studies and their clinical significance is uncertain. In summary, the available evidence is currently insufficient to determine the role of this variant in disease. Therefore, it has been classified as a Variant of Uncertain Significance.